The following is an entry in ClinVar:

ClinVar aggregate classification (germline): Benign (0 of 4 stars; one submission).

Conditions:
NAV2-related disorder. Also called: NAV2-related condition.

Allele frequency attached by ClinVar (database versions not stated): ESP Exome Variant Server 0.00046; TOPMed 0.00060; gnomAD 0.00071; 1000 Genomes Project 30x 0.00250; 1000 Genomes Project 0.00260.

Submission:

PreventionGenetics, part of Exact Sciences
Classification: Benign for NAV2-related condition. Last evaluated: 2019-12-05. Review status: no assertion criteria provided. Collection method: clinical testing. Allele origin: germline.
Comment: This variant is classified as benign based on ACMG/AMP sequence variant interpretation guidelines (Richards et al. 2015 PMID: 25741868, with internal and published modifications).

NM_145117.5(NAV2):c.5767A>G (p.Met1923Val)

Gene: NAV2 (neuron navigator 2; plus strand). Cytogenetic location: 11p15.1.
Variant type: single nucleotide variant.
Coding change: c.5767A>G on transcript NM_145117.5 (MANE Select); coding-DNA position 5767, A replaced by G.
Protein change: p.Met1923Val; replaces methionine 1923 with valine.
Molecular consequence: missense variant.
Genome position (GRCh38, 1-based): chr11:20,092,320, A>G. VCF-style: chr11-20092320-A-G. GRCh37 (hg19) VCF-style: chr11-20113866-A-G.
Other names: c.5575A>G, p.Met1859Val (NM_001111018.2); c.2959A>G, p.Met987Val (NM_001111019.3); c.5944A>G, p.Met1982Val (NM_001244963.2); c.5776A>G, p.Met1926Val (NM_182964.6); short protein forms M1859V, M1923V, M1926V, M1982V, M987V.
Identifiers: ClinVar variation 3040230 (VCV003040230.2), dbSNP rs140693573, ClinGen allele CA5919162.